The following is an entry in ClinVar:

NM_001151.4(SLC25A4):c.880A>T (p.Ile294Phe)

Gene: SLC25A4 (solute carrier family 25 member 4; plus strand). Cytogenetic location: 4q35.1.
Variant type: single nucleotide variant.
Coding change: c.880A>T on transcript NM_001151.4 (MANE Select); coding-DNA position 880, A replaced by T.
Protein change: p.Ile294Phe; replaces isoleucine 294 with phenylalanine.
Molecular consequence: missense variant.
Genome position (GRCh38, 1-based): chr4:185,146,954, A>T. VCF-style: chr4-185146954-A-T. GRCh37 (hg19) VCF-style: chr4-186068108-A-T.
Other names: short protein forms I294F.
Identifiers: ClinVar variation 3363716 (VCV003363716.1).
Genomic context (GRCh38, chr4:185,146,954, plus strand): 5'-GCCTGGTCCAATGTGCTGAGAGGCATGGGCGGTGCTTTTGTATTGGTGTTGTATGATGAG[A>T]TCAAAAAATATGTCTAATGTAATTAAAACACAAGTTCACAGATTTACAGTGAACTTGATC-3'
Protein context (NP_001142.2, residues 284-298): GAFVLVLYDE[Ile294Phe]KKYV

ClinVar aggregate classification (germline): Uncertain significance (1 of 4 stars; one submission).

Submission:

GeneDx
Classification: Uncertain significance. Last evaluated: 2023-11-08. Review status: criteria provided, single submitter. Criteria: GeneDx Variant Classification Process June 2021. Collection method: clinical testing. Allele origin: germline. Affected: yes.
Comment: Has not been previously published as pathogenic or benign to our knowledge; Not observed at significant frequency in large population cohorts (gnomAD); In silico analysis supports that this missense variant does not alter protein structure/function